The following is an entry in ClinVar:

NM_172364.5(CACNA2D4):c.1663G>A (p.Ala555Thr)

Gene: CACNA2D4 (calcium voltage-gated channel auxiliary subunit alpha2delta 4; minus strand). Cytogenetic location: 12p13.33.
Variant type: single nucleotide variant.
Coding change: c.1663G>A on transcript NM_172364.5 (MANE Select); coding-DNA position 1663, G replaced by A.
Protein change: p.Ala555Thr; replaces alanine 555 with threonine.
Molecular consequence: missense variant.
Genome position (GRCh38, 1-based): chr12:1,878,371, C>T on the plus strand (G>A on the coding strand, the complement: CACNA2D4 is on the minus strand). VCF-style: chr12-1878371-C-T. GRCh37 (hg19) VCF-style: chr12-1987537-C-T.
Other names: short protein forms A555T.
Identifiers: ClinVar variation 930841 (VCV000930841.5), dbSNP rs1347668261, ClinGen allele CA383353727.

ClinVar aggregate classification (germline): Uncertain significance. Review status: criteria provided, multiple submitters, no conflicts (2 of 4 stars). 3 submissions from 3 submitters: Uncertain significance (3). Last evaluated 2025-09-03.

Conditions:
Retinal cone dystrophy 4 (RCD4). Identifiers: Orphanet 1872, MedGen C1864849, MONDO:0012507, OMIM 610478.

Allele frequency attached by ClinVar (database versions not stated): gnomAD exomes below 0.00001 and 0.00001; TOPMed 0.00001.
gnomAD v4.1: 5 of 1,606,230 alleles (0.00031%); highest among the groups gnomAD compares: Non-Finnish European, 0.00042%; no homozygotes.

Submissions (3):

Labcorp Genetics (formerly Invitae), Labcorp
Classification: Uncertain significance. Last evaluated: 2025-09-03. Review status: criteria provided, single submitter. Criteria: Invitae Variant Classification Sherloc (09022015). Collection method: clinical testing. Allele origin: germline.
Comment: This sequence change replaces alanine, which is neutral and non-polar, with threonine, which is neutral and polar, at codon 555 of the CACNA2D4 protein (p.Ala555Thr). The frequency data for this variant in the population databases is considered unreliable, as metrics indicate poor data quality at this position in the gnomAD database. This variant has not been reported in the literature in individuals affected with CACNA2D4-related conditions. ClinVar contains an entry for this variant (Variation ID: 930841). An algorithm developed to predict the effect of missense changes on protein structure and function (PolyPhen-2) suggests that this variant is likely to be disruptive. In summary, the available evidence is currently insufficient to determine the role of this variant in disease. Therefore, it has been classified as a Variant of Uncertain Significance.

Blueprint Genetics
Classification: Uncertain significance. Last evaluated: 2024-07-30. Review status: criteria provided, single submitter. Criteria: ACMG Guidelines, 2015. Collection method: clinical testing. Allele origin: germline.

Centre for Mendelian Genomics, University Medical Centre Ljubljana
Classification: Uncertain significance for Retinal cone dystrophy 4. Last evaluated: 2019-11-12. Review status: criteria provided, single submitter. Criteria: ACMG Guidelines, 2015. Collection method: clinical testing. Allele origin: unknown. Affected: yes.
Comment: This variant was classified as: Uncertain significance. The following ACMG criteria were applied in classifying this variant: PM2,PP3.